The following is an entry in ClinVar:

ClinVar aggregate classification (germline): Benign/Likely benign. Review status: criteria provided, multiple submitters, no conflicts (2 of 4 stars). 4 submissions from 4 submitters: Benign (1); Likely benign (3). Last evaluated 2025-11-01.

Conditions:
Charcot-Marie-Tooth disease type 2. Also called: Charcot-Marie-Tooth type 2. Identifiers: Orphanet 64746, MedGen C0270914, MONDO:0018993.
Charcot-Marie-Tooth disease. Also called: Charcot-Marie-Tooth Neuropathy; Charcot-Marie-Tooth Hereditary Neuropathy. Identifiers: Orphanet 166, MedGen C0007959, MONDO:0015626.

Allele frequency attached by ClinVar (database versions not stated): gnomAD 0.00026 and 0.00034; TOPMed 0.00032; gnomAD exomes 0.00033 and 0.00069; ESP Exome Variant Server 0.00046; ExAC 0.00076; 1000 Genomes Project 0.00120; 1000 Genomes Project 30x 0.00125.
gnomAD v4.1: 552 of 1,612,344 alleles (0.034%); highest among the groups gnomAD compares: South Asian, 0.47%; 4 homozygotes.

Submissions (4):

CeGaT Center for Human Genetics Tuebingen
Classification: Likely benign. Last evaluated: 2025-11-01. Review status: criteria provided, single submitter. Criteria: CeGaT Center For Human Genetics Tuebingen Variant Classification Criteria Version 2. Collection method: clinical testing. Allele origin: germline. Affected: yes. Observed: 1 variant allele.
Comment: MED25: BP4, BP7

Labcorp Genetics (formerly Invitae), Labcorp
Classification: Benign for Charcot-Marie-Tooth disease type 2. Last evaluated: 2025-09-16. Review status: criteria provided, single submitter. Criteria: Invitae Variant Classification Sherloc (09022015). Collection method: clinical testing. Allele origin: germline.

Blueprint Genetics
Classification: Likely benign. Last evaluated: 2024-09-16. Review status: criteria provided, single submitter. Criteria: ACMG Guidelines, 2015. Collection method: clinical testing. Allele origin: germline.

Molecular Genetics Laboratory, London Health Sciences Centre
Classification: Likely benign for Charcot-Marie-Tooth disease. Review status: criteria provided, single submitter. Criteria: ACMG Guidelines, 2015. Collection method: clinical testing. Allele origin: germline. Affected: yes.

NM_030973.4(MED25):c.1062C>T (p.Ser354=)

Gene: MED25 (mediator complex subunit 25; plus strand). Cytogenetic location: 19q13.33.
Variant type: single nucleotide variant.
Coding change: c.1062C>T on transcript NM_030973.4 (MANE Select); coding-DNA position 1062, C replaced by T.
Protein change: p.Ser354=; no amino-acid change (serine 354 retained).
Molecular consequence: synonymous variant.
Genome position (GRCh38, 1-based): chr19:49,830,848, C>T. VCF-style: chr19-49830848-C-T. GRCh37 (hg19) VCF-style: chr19-50334105-C-T.
Other names: c.1062C>T, p.Ser354= (NM_001378355.1).
Identifiers: ClinVar variation 696876 (VCV000696876.19), dbSNP rs140345077, ClinGen allele CA9585122.
Genomic context (GRCh38, chr19:49,830,848, plus strand): 5'-CGCCCCCAAGCCACCACCTGCTTCCCAGCCCAGTCTGGTCTCCACTGTGGCCCCTGGCTC[C>T]GGCCTGGCTCCCACGGCACAGCCCGGGGCACCGTCCATGGTAGGTGCCTGCACGCCTCCT-3'
Protein context (NP_112235.2, residues 344-364): PSLVSTVAPG[Ser354=]GLAPTAQPGA